The following is an entry in ClinVar:

ClinVar aggregate classification (germline): Likely benign (1 of 4 stars; one submission).

Allele frequency attached by ClinVar (database versions not stated): 1000 Genomes Project 0.00020; ESP Exome Variant Server 0.00048; ExAC 0.00056; gnomAD 0.00065.
gnomAD v4.1: 966 of 1,458,742 alleles (0.066%); highest among the groups gnomAD compares: Non-Finnish European, 0.082%; no homozygotes.

Submissions (2):

CeGaT Center for Human Genetics Tuebingen
Classification: Likely benign. Last evaluated: 2022-03-01. Review status: criteria provided, single submitter. Criteria: CeGaT Center For Human Genetics Tuebingen Variant Classification Criteria Version 2. Collection method: clinical testing. Allele origin: germline. Affected: yes. Observed: 1 variant allele.
Comment: GSE1: BP4, BP7

Dr. Peter K. Rogan Lab, Western University
No classification provided (evidence only). Condition: Hepatocellular carcinoma. Review status: no classification provided. Collection method: in vitro. Allele origin: not applicable. Functional consequence: retained intron. Not counted in ClinVar's aggregate classification.

NM_014615.5(GSE1):c.1029C>T (p.Arg343=)

Gene: GSE1 (Gse1 coiled-coil protein; plus strand). Cytogenetic location: 16q24.1.
Variant type: single nucleotide variant.
Coding change: c.1029C>T on transcript NM_014615.5 (MANE Select); coding-DNA position 1029, C replaced by T.
Protein change: p.Arg343=; no amino-acid change (arginine 343 retained).
Molecular consequence: synonymous variant.
Genome position (GRCh38, 1-based): chr16:85,656,382, C>T. VCF-style: chr16-85656382-C-T. GRCh37 (hg19) VCF-style: chr16-85689988-C-T.
Other names: NC_000016.9:g.85689988C>T; c.717C>T, p.Arg239= (NM_001134473.3); c.810C>T, p.Arg270= (NM_001278184.3).
Identifiers: ClinVar variation 2646936 (VCV002646936.25), dbSNP rs369286648, ClinGen allele CA8214471.